The following is an entry in ClinVar:

ClinVar aggregate classification (germline): Uncertain significance. Review status: criteria provided, multiple submitters, no conflicts (2 of 4 stars). 4 submissions from 4 submitters: Uncertain significance (3). 1 of the submissions does not count toward it. Last evaluated 2023-03-07.

Conditions:
Inborn genetic diseases. Identifiers: MedGen C0950123, MeSH D030342.
Hyperammonemia, type III (NAGSD). Also called: Hyperammonemia due to N-acetylglutamate synthase deficiency. Identifiers: Orphanet 927, MedGen C0268543, MONDO:0009377, OMIM 237310.

Allele frequency attached by ClinVar (database versions not stated): gnomAD below 0.00001 and 0.00003; TOPMed below 0.00001; gnomAD exomes 0.00003 and 0.00009; 1000 Genomes Project 30x 0.00016; 1000 Genomes Project 0.00020; ExAC 0.00020.

Submissions (4):

Ambry Genetics
Classification: Uncertain significance for Inborn genetic diseases. Last evaluated: 2023-03-07. Review status: criteria provided, single submitter. Criteria: Ambry Variant Classification Scheme 2023. Collection method: clinical testing. Allele origin: germline.

Labcorp Genetics (formerly Invitae), Labcorp
Classification: Uncertain significance for Hyperammonemia, type III. Last evaluated: 2021-09-02. Review status: criteria provided, single submitter. Criteria: Invitae Variant Classification Sherloc (09022015). Collection method: clinical testing. Allele origin: germline.
Comment: This sequence change replaces alanine with threonine at codon 64 of the NAGS protein (p.Ala64Thr). The alanine residue is weakly conserved and there is a small physicochemical difference between alanine and threonine. While this variant is present in population databases (rs531005276), the frequency information is unreliable, as metrics indicate poor data quality at this position in the ExAC database. This variant has not been reported in the literature in individuals affected with NAGS-related conditions. Algorithms developed to predict the effect of missense changes on protein structure and function (SIFT, PolyPhen-2, Align-GVGD) all suggest that this variant is likely to be tolerated. In summary, the available evidence is currently insufficient to determine the role of this variant in disease. Therefore, it has been classified as a Variant of Uncertain Significance.

Illumina Laboratory Services, Illumina
Classification: Uncertain significance for Hyperammonemia, type III. Last evaluated: 2018-01-13. Review status: criteria provided, single submitter. Criteria: ICSL Variant Classification Criteria 13 December 2019. Collection method: clinical testing. Allele origin: germline.

Natera, Inc.
Classification: Uncertain significance for Hyperammonemia type III. Last evaluated: 2020-01-04. Review status: no assertion criteria provided. Collection method: clinical testing. Allele origin: germline. Not counted in ClinVar's aggregate classification.

NM_153006.3(NAGS):c.190G>A (p.Ala64Thr)

Gene: NAGS (N-acetylglutamate synthase; plus strand). Cytogenetic location: 17q21.31.
Variant type: single nucleotide variant.
Coding change: c.190G>A on transcript NM_153006.3 (MANE Select); coding-DNA position 190, G replaced by A.
Protein change: p.Ala64Thr; replaces alanine 64 with threonine.
Molecular consequence: missense variant.
Genome position (GRCh38, 1-based): chr17:44,004,853, G>A. VCF-style: chr17-44004853-G-A. GRCh37 (hg19) VCF-style: chr17-42082221-G-A.
Other names: short protein forms A64T.
Identifiers: ClinVar variation 890599 (VCV000890599.12), dbSNP rs531005276, ClinGen allele CA8595105.